The following is an entry in ClinVar:

NM_007363.5(NONO):c.322_348+280del

Gene: NONO (non-POU domain containing octamer binding; plus strand). Cytogenetic location: Xq13.1.
Variant type: Deletion.
Coding change: c.322_348+280del on transcript NM_007363.5 (MANE Select); coding-DNA position 322 through 280 bases into the intron after coding-DNA position 348, 307 bases deleted.
Molecular consequence: splice donor variant.
Genome position (GRCh38, 1-based): chrX:71,291,946-71,292,252, 307 bases deleted. GRCh37 (hg19): chrX:70,511,796-70,512,102.
Other names: c.322_348+280del (NM_001145409.2, NM_001145408.2); c.55_81+280del (NM_001145410.2).
Identifiers: ClinVar variation 1217289 (VCV001217289.1), dbSNP rs2148033540, ClinGen allele CA2499226846.

ClinVar aggregate classification (germline): Likely pathogenic (1 of 4 stars; one submission).

Conditions:
Intellectual developmental disorder, X-linked, syndromic 34. Also called: MENTAL RETARDATION, X-LINKED, SYNDROMIC, MIRCSOF-LANGOUET TYPE; Syndromic X-linked intellectual disability 34. Identifiers: Orphanet 466791, MedGen C4225417, MONDO:0010501, OMIM 300967.

Submission:

Women's Health and Genetics/Laboratory Corporation of America, LabCorp
Classification: Likely pathogenic for Intellectual developmental disorder, X-linked, syndromic 34. Last evaluated: 2021-08-31. Review status: criteria provided, single submitter. Criteria: LabCorp Variant Classification Summary - May 2015. Collection method: clinical testing. Allele origin: germline.
Comment: Variant summary: The variant, c.322_348+280del307, involves the deletion of 307 nucleotides in the NONO gene, removing the 5' end of exon 5 together with a large part of intron 5, and therefore is predicted to affect mRNA splicing resulting in a significantly altered protein due to either exon skipping, shortening, or inclusion of intronic material. Several computational tools predict a significant impact on normal splicing: 3/3 tools predict the variant abolishes a 5' splicing donor site. However, these predictions have yet to be confirmed by functional studies. The variant was absent in 111170 control chromosomes (gnomAD v3.1, genomes dataset). To our knowledge, no occurrence of c.322_348+280del307 in individuals affected with Mental Retardation, X-Linked, Syndromic 34 and no experimental evidence demonstrating its impact on protein function have been reported. No clinical diagnostic laboratories have submitted clinical-significance assessments for this variant to ClinVar after 2014. Based on the evidence outlined above, the variant was classified as likely pathogenic.